The following is an entry in ClinVar:

NM_006767.4(LZTR1):c.405_414del (p.Tyr136fs)

Gene: LZTR1 (leucine zipper like post translational regulator 1; plus strand). Cytogenetic location: 22q11.21.
Variant type: Deletion.
Coding change: c.405_414del on transcript NM_006767.4 (MANE Select); coding-DNA positions 405 to 414, 10 bases deleted (TTACACTGGG; older notation c.405_414delTTACACTGGG).
Protein change: p.Tyr136fs; shifts the reading frame from tyrosine 136.
Molecular consequence: frameshift variant.
Genome position (GRCh38, 1-based): chr22:20,988,014-20,988,023, TTACACTGGG deleted; deleting any 10 consecutive bases within chr22:20,988,011-20,988,023 gives the same sequence; the c. name uses the placement nearest the transcript's 3' end. VCF-style (leftmost placement, unchanged base first): chr22-20988010-GGGGTTACACT-G. GRCh37 (hg19) VCF-style: chr22-21342299-GGGGTTACACT-G.
Other names: short protein forms Y136fs.
Identifiers: ClinVar variation 4615646 (VCV004615646.1).

ClinVar aggregate classification (germline): Pathogenic (1 of 4 stars; one submission).

Conditions:
Cardiovascular phenotype. Identifiers: MedGen CN230736.
Hereditary cancer-predisposing syndrome. Also called: Neoplastic Syndromes, Hereditary; Tumor predisposition; Hereditary Cancer Syndrome; Hereditary neoplastic syndrome. Identifiers: Orphanet 140162, MedGen C0027672, MeSH D009386, MONDO:0015356.

Submission:

Ambry Genetics
Classification: Pathogenic for Cardiovascular phenotype; Hereditary cancer-predisposing syndrome. Last evaluated: 2025-11-14. Review status: criteria provided, single submitter. Criteria: Ambry Variant Classification Scheme 2023. Collection method: clinical testing. Allele origin: germline.
Comment: The c.405_414del10 pathogenic mutation, located in coding exon 5 of the LZTR1 gene, results from a deletion of 10 nucleotides at nucleotide positions 405 to 414, causing a translational frameshift with a predicted alternate stop codon (p.Y136Tfs*8). This alteration is expected to result in loss of function by premature protein truncation or nonsense-mediated mRNA decay. Loss-of-function variants in LZTR1 are related to an increased risk for schwannomas and autosomal recessive Noonan syndrome; however, such associations with autosomal dominant Noonan syndrome have not been observed (Piotrowski A et al. Nat Genet. 2014 Feb;46:182-7; Yamamoto GL et al. J Med Genet. 2015 Jun;52:413-21; Johnston JJ et al. Genet Med. 2018 10;20:1175-1185). Based on the supporting evidence, this variant is pathogenic for an increased risk of LZTR1-related schwannomatosis (SWN) and would be expected to cause autosomal recessive Noonan syndrome when present along with a second pathogenic or likely pathogenic variant on the other allele; however, the association of this alteration with autosomal dominant Noonan syndrome is unlikely.